The following is an entry in ClinVar:

NM_000138.5(FBN1):c.5918-12T>G

Gene: FBN1 (fibrillin 1; minus strand). Cytogenetic location: 15q21.1.
Variant type: single nucleotide variant.
Coding change: c.5918-12T>G on transcript NM_000138.5 (MANE Select); 12 bases into the intron before coding-DNA position 5918, T replaced by G.
Molecular consequence: intron variant.
Genome position (GRCh38, 1-based): chr15:48,444,672, A>C on the plus strand (T>G on the coding strand, the complement: FBN1 is on the minus strand). VCF-style: chr15-48444672-A-C. GRCh37 (hg19) VCF-style: chr15-48736869-A-C.
Identifiers: ClinVar variation 511474 (VCV000511474.10), dbSNP rs751115639, ClinGen allele CA055835.

ClinVar aggregate classification (germline): Conflicting classifications of pathogenicity. Review status: criteria provided, conflicting classifications (1 of 4 stars). 4 submissions from 4 submitters: Uncertain significance (1); Likely benign (3). Last evaluated 2025-10-02.

Conditions:
Familial thoracic aortic aneurysm and aortic dissection (TAAD). Also called: Thoracic aortic aneurysms and dissections. Identifiers: Orphanet 91387, MedGen C4707243, MONDO:0019625.
Marfan syndrome (MFS). Also called: Marfan syndrome type 1; Marfan syndrome, classic; Marfan's syndrome; FBN1-Related Marfan Syndrome; MARFAN SYNDROME, TYPE I. Identifiers: Orphanet 284963, Orphanet 558, MedGen C0024796, MONDO:0007947, OMIM 154700.

Allele frequency attached by ClinVar (database versions not stated): gnomAD exomes 0.00001 and 0.00002; ExAC 0.00002.
gnomAD v4.1: 4 of 1,613,030 alleles (0.00025%); highest among the groups gnomAD compares: Admixed American, 0.005%; no homozygotes.

Submissions (4):

Labcorp Genetics (formerly Invitae), Labcorp
Classification: Likely benign for Marfan syndrome; Familial thoracic aortic aneurysm and aortic dissection. Last evaluated: 2025-10-02. Review status: criteria provided, single submitter. Criteria: Invitae Variant Classification Sherloc (09022015). Collection method: clinical testing. Allele origin: germline.

Women's Health and Genetics/Laboratory Corporation of America, LabCorp
Classification: Likely benign. Last evaluated: 2025-01-08. Review status: criteria provided, single submitter. Criteria: LabCorp Variant Classification Summary - May 2015. Collection method: clinical testing. Allele origin: germline.
Comment: Variant summary: FBN1 c.5918-12T>G alters a non-conserved nucleotide located at a position not widely known to affect splicing. Consensus agreement among computation tools predict no significant impact on normal splicing. However, these predictions have yet to be confirmed by functional studies. The variant allele was found at a frequency of 1.6e-05 in 250738 control chromosomes, predominantly at a frequency of 0.00012 within the Latino subpopulation in the gnomAD database. The available data on variant occurrences in the general population are insufficient to allow any conclusion about variant significance. To our knowledge, no occurrence of c.5918-12T>G in individuals affected with FBN1-related conditions and no experimental evidence demonstrating its impact on protein function have been reported. ClinVar contains an entry for this variant (Variation ID: 511474). Based on the evidence outlined above, the variant was classified as likely benign.

All of Us Research Program, National Institutes of Health
Classification: Uncertain significance for Marfan syndrome. Last evaluated: 2024-01-03. Review status: criteria provided, single submitter. Criteria: ACMG Guidelines, 2015. Collection method: clinical testing. Allele origin: germline. Inheritance: Autosomal dominant inheritance. Observed: 5 variant alleles, 5 heterozygotes.
Comment: This variant causes a T to G nucleotide substitution at the -12 position of intron 48 of the FBN1 gene. To our knowledge, functional studies have not been reported for this variant. This variant has not been reported in individuals affected with FBN1-related disorders in the literature. This variant has been identified in 4/250738 chromosomes in the general population by the Genome Aggregation Database (gnomAD). The available evidence is insufficient to determine the role of this variant in disease conclusively. Therefore, this variant is classified as a Variant of Uncertain Significance.

This study involves interpretation of variants in research participants for the purpose of population health screening. Participant phenotype was not available at the time of variant classification. Additional details can be found in publication PMID: 35346344, PMCID: PMC8962531

GeneDx
Classification: Likely benign. Last evaluated: 2017-08-15. Review status: criteria provided, single submitter. Criteria: GeneDx Variant Classification (06012015). Collection method: clinical testing. Allele origin: germline. Affected: yes.
Comment: This variant is considered likely benign or benign based on one or more of the following criteria: it is a conservative change, it occurs at a poorly conserved position in the protein, it is predicted to be benign by multiple in silico algorithms, and/or has population frequency not consistent with disease.